The following is an entry in ClinVar:

ClinVar aggregate classification (germline): Uncertain significance. Review status: criteria provided, multiple submitters, no conflicts (2 of 4 stars). 2 submissions from 2 submitters: Uncertain significance (2). Last evaluated 2024-11-05.

Conditions:
Developmental and epileptic encephalopathy, 14 (DEE14). Also called: Early infantile epileptic encephalopathy 14. Identifiers: Orphanet 293181, MedGen C3554195, MONDO:0013989, OMIM 614959.
Autosomal dominant nocturnal frontal lobe epilepsy 5. Also called: KCNT1-Related Epilepsy; Epilepsy, nocturnal frontal lobe, 5; CILIARY DYSKINESIA, PRIMARY, 28, WITHOUT SITUS INVERSUS; CILIARY DYSKINESIA, PRIMARY, 28, WITH SITUS INVERSUS. Identifiers: Orphanet 98784, MedGen C3554306, MONDO:0014002, OMIM 615005.
Inborn genetic diseases. Identifiers: MedGen C0950123, MeSH D030342.

Allele frequency attached by ClinVar (database versions not stated): gnomAD exomes 0.00001; ExAC 0.00002.
gnomAD v4.1: 5 of 1,613,582 alleles (0.00031%); highest among the groups gnomAD compares: Non-Finnish European, 0.00025%; no homozygotes.

Submissions (2):

Labcorp Genetics (formerly Invitae), Labcorp
Classification: Uncertain significance for Autosomal dominant nocturnal frontal lobe epilepsy 5; Developmental and epileptic encephalopathy, 14. Last evaluated: 2024-11-05. Review status: criteria provided, single submitter. Criteria: Invitae Variant Classification Sherloc (09022015). Collection method: clinical testing. Allele origin: germline.
Comment: This sequence change replaces valine, which is neutral and non-polar, with alanine, which is neutral and non-polar, at codon 883 of the KCNT1 protein (p.Val883Ala). This variant is present in population databases (rs761236942, gnomAD 0.01%). This variant has not been reported in the literature in individuals affected with KCNT1-related conditions. ClinVar contains an entry for this variant (Variation ID: 3113506). Invitae Evidence Modeling of protein sequence and biophysical properties (such as structural, functional, and spatial information, amino acid conservation, physicochemical variation, residue mobility, and thermodynamic stability) indicates that this missense variant is not expected to disrupt KCNT1 protein function with a negative predictive value of 80%. In summary, the available evidence is currently insufficient to determine the role of this variant in disease. Therefore, it has been classified as a Variant of Uncertain Significance.

Ambry Genetics
Classification: Uncertain significance for Inborn genetic diseases. Last evaluated: 2023-12-28. Review status: criteria provided, single submitter. Criteria: Ambry Variant Classification Scheme 2023. Collection method: clinical testing. Allele origin: germline.

NM_020822.3(KCNT1):c.2648T>C (p.Val883Ala)

Gene: KCNT1 (potassium sodium-activated channel subfamily T member 1; plus strand). Cytogenetic location: 9q34.3.
Variant type: single nucleotide variant.
Coding change: c.2648T>C on transcript NM_020822.3 (MANE Select); coding-DNA position 2648, T replaced by C.
Protein change: p.Val883Ala; replaces valine 883 with alanine.
Molecular consequence: missense variant.
Genome position (GRCh38, 1-based): chr9:135,778,741, T>C. VCF-style: chr9-135778741-T-C. GRCh37 (hg19) VCF-style: chr9-138670587-T-C.
Other names: c.2513T>C, p.Val838Ala (NM_001272003.2); short protein forms V883A, V838A.
Identifiers: ClinVar variation 3113506 (VCV003113506.3), dbSNP rs761236942, ClinGen allele CA5327380.
Genomic context (GRCh38, chr9:135,778,741, plus strand): 5'-CCACCAGCCTGGACAGCCTGCTGCAGTGTGGCATCATCTATGCGGACAACCTGGTGGTGG[T>C]GGACAAGGAGAGCACCATGAGCGCCGAGGAGGACTACATGGCGGACGCCAAGACCATCGT-3'
Protein context (NP_065873.2, residues 873-893): GIIYADNLVV[Val883Ala]DKESTMSAEE